The following is an entry in ClinVar:

ClinVar aggregate classification (germline): Uncertain significance (1 of 4 stars; one submission).

gnomAD v4.1: 2 of 1,608,898 alleles (0.00012%); highest among the groups gnomAD compares: African/African-American, 0.0027%; no homozygotes.

Submission:

GeneDx
Classification: Uncertain significance. Last evaluated: 2024-01-03. Review status: criteria provided, single submitter. Criteria: GeneDx Variant Classification Process June 2021. Collection method: clinical testing. Allele origin: germline. Affected: yes.
Comment: Not observed at significant frequency in large population cohorts (gnomAD); In silico analysis supports that this missense variant does not alter protein structure/function; Has not been previously published as pathogenic or benign to our knowledge

NM_013275.6(ANKRD11):c.6028G>T (p.Ala2010Ser)

Gene: ANKRD11 (ankyrin repeat domain containing 11; minus strand). Cytogenetic location: 16q24.3.
Variant type: single nucleotide variant.
Coding change: c.6028G>T on transcript NM_013275.6 (MANE Select); coding-DNA position 6028, G replaced by T.
Protein change: p.Ala2010Ser; replaces alanine 2010 with serine.
Molecular consequence: missense variant.
Genome position (GRCh38, 1-based): chr16:89,280,514, C>A on the plus strand (G>T on the coding strand, the complement: ANKRD11 is on the minus strand). VCF-style: chr16-89280514-C-A. GRCh37 (hg19) VCF-style: chr16-89346922-C-A.
Other names: c.6028G>T, p.Ala2010Ser (NM_001256182.2, NM_001256183.2); short protein forms A2010S.
Identifiers: ClinVar variation 3367246 (VCV003367246.1).